The following is an entry in ClinVar:

NM_004525.3(LRP2):c.13807A>G (p.Asn4603Asp)

Gene: LRP2 (LDL receptor related protein 2; minus strand). Cytogenetic location: 2q31.1.
Variant type: single nucleotide variant.
Coding change: c.13807A>G on transcript NM_004525.3 (MANE Select); coding-DNA position 13807, A replaced by G.
Protein change: p.Asn4603Asp; replaces asparagine 4603 with aspartic acid.
Molecular consequence: missense variant.
Genome position (GRCh38, 1-based): chr2:169,128,824, T>C on the plus strand (A>G on the coding strand, the complement: LRP2 is on the minus strand). VCF-style: chr2-169128824-T-C. GRCh37 (hg19) VCF-style: chr2-169985334-T-C.
Other names: c.13807A>G (NM_004525.2); short protein forms N4603D.
Identifiers: ClinVar variation 1416931 (VCV001416931.6), dbSNP rs112842952, ClinGen allele CA1952404.

ClinVar aggregate classification (germline): Uncertain significance. Review status: criteria provided, multiple submitters, no conflicts (2 of 4 stars). 4 submissions from 4 submitters: Uncertain significance (4). Last evaluated 2024-05-07.

Conditions:
Donnai-Barrow syndrome. Also called: DBS/FOAR SYNDROME; FACIOOCULOACOUSTICORENAL SYNDROME. Identifiers: Orphanet 2143, MedGen C1857277, MONDO:0009104, OMIM 222448.

Allele frequency attached by ClinVar (database versions not stated): ExAC 0.00001; gnomAD exomes 0.00001; gnomAD 0.00002; TOPMed 0.00003; 1000 Genomes Project 30x 0.00016; 1000 Genomes Project 0.00020.
gnomAD v4.1: 29 of 1,614,052 alleles (0.0018%); highest among the groups gnomAD compares: African/African-American, 0.019%; no homozygotes.

Submissions (4):

GeneDx
Classification: Uncertain significance. Last evaluated: 2024-05-07. Review status: criteria provided, single submitter. Criteria: GeneDx Variant Classification Process June 2021. Collection method: clinical testing. Allele origin: germline. Affected: yes.
Comment: In silico analysis indicates that this missense variant does not alter protein structure/function; Has not been previously published as pathogenic or benign to our knowledge

Blueprint Genetics
Classification: Uncertain significance. Last evaluated: 2022-03-03. Review status: criteria provided, single submitter. Criteria: ACMG Guidelines, 2015. Collection method: clinical testing. Allele origin: germline.

Fulgent Genetics
Classification: Uncertain significance for Donnai-Barrow syndrome. Last evaluated: 2022-02-13. Review status: criteria provided, single submitter. Criteria: ACMG Guidelines, 2015. Collection method: clinical testing. Allele origin: unknown.

Labcorp Genetics (formerly Invitae), Labcorp
Classification: Uncertain significance. Last evaluated: 2022-02-10. Review status: criteria provided, single submitter. Criteria: Invitae Variant Classification Sherloc (09022015). Collection method: clinical testing. Allele origin: germline.
Comment: This sequence change replaces asparagine, which is neutral and polar, with aspartic acid, which is acidic and polar, at codon 4603 of the LRP2 protein (p.Asn4603Asp). The frequency data for this variant in the population databases is considered unreliable, as metrics indicate poor data quality at this position in the gnomAD database. This variant has not been reported in the literature in individuals affected with LRP2-related conditions. Advanced modeling of protein sequence and biophysical properties (such as structural, functional, and spatial information, amino acid conservation, physicochemical variation, residue mobility, and thermodynamic stability) performed at Invitae indicates that this missense variant is not expected to disrupt LRP2 protein function. In summary, the available evidence is currently insufficient to determine the role of this variant in disease. Therefore, it has been classified as a Variant of Uncertain Significance.